The following is an entry in ClinVar:

NM_004984.4(KIF5A):c.888C>T (p.Cys296=)

Gene: KIF5A (kinesin family member 5A; plus strand). Cytogenetic location: 12q13.3.
Variant type: single nucleotide variant.
Coding change: c.888C>T on transcript NM_004984.4 (MANE Select); coding-DNA position 888, C replaced by T.
Protein change: p.Cys296=; no amino-acid change (cysteine 296 retained).
Molecular consequence: synonymous variant.
Genome position (GRCh38, 1-based): chr12:57,569,324, C>T. VCF-style: chr12-57569324-C-T. GRCh37 (hg19) VCF-style: chr12-57963107-C-T.
Other names: c.621C>T, p.Cys207= (NM_001354705.2); c.888C>T (NM_004984.2).
Identifiers: ClinVar variation 1409318 (VCV001409318.9), dbSNP rs773373166, ClinGen allele CA6652704.

ClinVar aggregate classification (germline): Likely benign. Review status: criteria provided, single submitter (1 of 4 stars). 2 submissions from 2 submitters: Likely benign (1). 1 of the submissions does not count toward it. Last evaluated 2025-10-23.

Conditions:
Spastic paraplegia. Identifiers: MedGen C0037772, HP:0001258.
KIF5A-related disorder. Also called: KIF5A-related disorders; KIF5A-related condition.

Allele frequency attached by ClinVar (database versions not stated): gnomAD exomes below 0.00001 and 0.00003; ExAC 0.00001; TOPMed 0.00001.
gnomAD v4.1: 44 of 1,613,854 alleles (0.0027%); highest among the groups gnomAD compares: Non-Finnish European, 0.0033%; no homozygotes.

Submissions (2):

Labcorp Genetics (formerly Invitae), Labcorp
Classification: Likely benign for Spastic paraplegia. Last evaluated: 2025-10-23. Review status: criteria provided, single submitter. Criteria: Invitae Variant Classification Sherloc (09022015). Collection method: clinical testing. Allele origin: germline.

PreventionGenetics, part of Exact Sciences
Classification: Likely benign for KIF5A-related condition. Last evaluated: 2024-05-28. Review status: no assertion criteria provided. Collection method: clinical testing. Allele origin: germline. Not counted in ClinVar's aggregate classification.
Comment: This variant is classified as likely benign based on ACMG/AMP sequence variant interpretation guidelines (Richards et al. 2015 PMID: 25741868, with internal and published modifications).